The following is an entry in ClinVar:

NM_002907.4(RECQL):c.317G>C (p.Gly106Ala)

Gene: RECQL (RecQ like helicase; minus strand). Cytogenetic location: 12p12.1.
Variant type: single nucleotide variant.
Coding change: c.317G>C on transcript NM_002907.4 (MANE Select); coding-DNA position 317, G replaced by C.
Protein change: p.Gly106Ala; replaces glycine 106 with alanine.
Molecular consequence: missense variant.
Genome position (GRCh38, 1-based): chr12:21,490,276, C>G on the plus strand (G>C on the coding strand, the complement: RECQL is on the minus strand). VCF-style: chr12-21490276-C-G. GRCh37 (hg19) VCF-style: chr12-21643210-C-G.
Other names: c.317G>C, p.Gly106Ala (NM_032941.3); short protein forms G106A.
Identifiers: ClinVar variation 1728527 (VCV001728527.4), dbSNP rs2540399746, ClinGen allele CA384132757.

ClinVar aggregate classification (germline): Uncertain significance (1 of 4 stars; one submission).

Allele frequency attached by ClinVar (database versions not stated): gnomAD exomes below 0.00001.
gnomAD v4.1: 2 of 1,612,990 alleles (0.00012%); highest among the groups gnomAD compares: African/African-American, 0.0013%; no homozygotes.

Submission:

Ambry Genetics
Classification: Uncertain significance. Last evaluated: 2025-04-16. Review status: criteria provided, single submitter. Criteria: Ambry Variant Classification Scheme 2023. Collection method: clinical testing. Allele origin: germline.
Comment: The p.G106A variant (also known as c.317G>C), located in coding exon 3 of the RECQL gene, results from a G to C substitution at nucleotide position 317. The glycine at codon 106 is replaced by alanine, an amino acid with similar properties. This amino acid position is well conserved in available vertebrate species. In addition, the in silico prediction for this alteration is inconclusive. Since supporting evidence is limited at this time, the clinical significance of this alteration remains unclear.